The following is an entry in ClinVar:

NM_015214.3(DDHD2):c.1926A>G (p.Lys642=)

Gene: DDHD2 (DDHD domain containing 2; plus strand). Cytogenetic location: 8p11.23.
Variant type: single nucleotide variant.
Coding change: c.1926A>G on transcript NM_015214.3 (MANE Select); coding-DNA position 1926, A replaced by G.
Protein change: p.Lys642=; no amino-acid change (lysine 642 retained).
Molecular consequence: synonymous variant. On other transcripts: non-coding transcript variant (2).
Genome position (GRCh38, 1-based): chr8:38,253,590, A>G. VCF-style: chr8-38253590-A-G. GRCh37 (hg19) VCF-style: chr8-38111108-A-G.
Other names: c.1926A>G, p.Lys642= (NM_001164232.2, NM_001362911.2, NM_001362912.2 and 1 more transcripts); c.1836A>G, p.Lys612= (NM_001362913.2).
Identifiers: ClinVar variation 5040544 (VCV005040544.1).

ClinVar aggregate classification (germline): Likely benign (1 of 4 stars; one submission).

gnomAD v4.1: 2 of 1,614,112 alleles (0.00012%); highest among the groups gnomAD compares: Non-Finnish European, 0.00017%; no homozygotes.

Submission:

CeGaT Center for Human Genetics Tuebingen
Classification: Likely benign. Last evaluated: 2026-08-01. Review status: criteria provided, single submitter. Criteria: CeGaT Center For Human Genetics Tuebingen Variant Classification Criteria Version 2. Collection method: clinical testing. Allele origin: germline. Affected: yes. Observed: 1 variant allele.
Comment: DDHD2: BP4, BP7